The following is an entry in ClinVar:

NM_177438.3(DICER1):c.2018C>T (p.Ser673Leu)

Gene: DICER1 (dicer 1, ribonuclease III; minus strand). Cytogenetic location: 14q32.13.
Variant type: single nucleotide variant.
Coding change: c.2018C>T on transcript NM_177438.3 (MANE Select); coding-DNA position 2018, C replaced by T.
Protein change: p.Ser673Leu; replaces serine 673 with leucine.
Molecular consequence: missense variant.
Genome position (GRCh38, 1-based): chr14:95,113,114, G>A on the plus strand (C>T on the coding strand, the complement: DICER1 is on the minus strand). VCF-style: chr14-95113114-G-A. GRCh37 (hg19) VCF-style: chr14-95579451-G-A.
Other names: c.2018C>T, p.Ser673Leu (NM_001195573.1, NM_001271282.3, NM_001291628.2 and 1 more transcripts); short protein forms S673L.
Identifiers: ClinVar variation 820525 (VCV000820525.4), dbSNP rs1595396643, ClinGen allele CA390883193.
Genomic context (GRCh38, chr14:95,113,114, plus strand): 5'-TTTTAAAAGATAACAATCATTTCTTCTTCTAAACTTACAACAATGGAGGCTCGAAGAGGT[G>A]AGTTAATTGGCAGATAAAGAGTTGAATAAAATGTACCATCAGGCAACTCTCGGGTTCTGC-3'
Protein context (NP_803187.1, residues 663-683): FYSTLYLPIN[Ser673Leu]PLRASIVGPP

ClinVar aggregate classification (germline): Uncertain significance (1 of 4 stars; one submission).

Conditions:
Hereditary cancer-predisposing syndrome. Also called: Neoplastic Syndromes, Hereditary; Tumor predisposition; Hereditary Cancer Syndrome; Hereditary neoplastic syndrome. Identifiers: Orphanet 140162, MedGen C0027672, MeSH D009386, MONDO:0015356.

Submission:

Ambry Genetics
Classification: Uncertain significance for Hereditary cancer-predisposing syndrome. Last evaluated: 2018-09-22. Review status: criteria provided, single submitter. Criteria: Ambry Variant Classification Scheme 2023. Collection method: clinical testing. Allele origin: germline.
Comment: The p.S673L variant (also known as c.2018C>T), located in coding exon 11 of the DICER1 gene, results from a C to T substitution at nucleotide position 2018. The serine at codon 673 is replaced by leucine, an amino acid with dissimilar properties. This amino acid position is highly conserved in available vertebrate species. In addition, this alteration is predicted to be deleterious by in silico analysis. Since supporting evidence is limited at this time, the clinical significance of this alteration remains unclear.